The following is an entry in ClinVar:

NM_006231.4(POLE):c.801+1G>A

Gene: POLE (DNA polymerase epsilon, catalytic subunit; minus strand). Cytogenetic location: 12q24.33.
Variant type: single nucleotide variant.
Coding change: c.801+1G>A on transcript NM_006231.4 (MANE Select); the canonical splice donor site of the intron after coding-DNA position 801, G replaced by A.
Molecular consequence: splice donor variant.
Genome position (GRCh38, 1-based): chr12:132,677,362, C>T on the plus strand (G>A on the coding strand, the complement: POLE is on the minus strand). VCF-style: chr12-132677362-C-T. GRCh37 (hg19) VCF-style: chr12-133253948-C-T.
Identifiers: ClinVar variation 827392 (VCV000827392.7), dbSNP rs1593080932, ClinGen allele CA387364400.

ClinVar aggregate classification (germline): Uncertain significance. Review status: criteria provided, multiple submitters, no conflicts (2 of 4 stars). 2 submissions from 2 submitters: Uncertain significance (2). Last evaluated 2026-01-21.

Conditions:
Hereditary cancer-predisposing syndrome. Also called: Hereditary Cancer Syndrome; Tumor predisposition; Neoplastic Syndromes, Hereditary; Hereditary neoplastic syndrome. Identifiers: Orphanet 140162, MedGen C0027672, MeSH D009386, MONDO:0015356.

Allele frequency attached by ClinVar (database versions not stated): gnomAD below 0.00001 and 0.00001; gnomAD exomes below 0.00001.
gnomAD v4.1: 2 of 1,612,372 alleles (0.00012%); highest among the groups gnomAD compares: South Asian, 0.0011%; no homozygotes.

Submissions (2):

Ambry Genetics
Classification: Uncertain significance for Hereditary cancer-predisposing syndrome. Last evaluated: 2026-01-21. Review status: criteria provided, single submitter. Criteria: Ambry Variant Classification Scheme 2023. Collection method: clinical testing. Allele origin: germline.
Comment: The c.801+1G>A intronic variant results from a G to A substitution one nucleotide after coding exon 8 of the POLE gene. Alterations that disrupt the canonical splice site are expected to result in aberrant splicing. In silico splice site analysis predicts that this alteration will weaken the native splice donor site. A resulting transcript is predicted to be in-frame and is not expected to trigger nonsense-mediated mRNA decay; although, direct evidence is unavailable. This nucleotide position is highly conserved in available vertebrate species. Based on the available evidence, the clinical significance of this variant remains unclear.

GeneDx
Classification: Uncertain significance. Last evaluated: 2019-07-17. Review status: criteria provided, single submitter. Criteria: GeneDx Variant Classification Process June 2021. Collection method: clinical testing. Allele origin: germline. Affected: yes.
Comment: Not observed in large population cohorts (Lek et al., 2016); Canonical splice site variant predicted to result in an in-frame deletion of exon 8; Has not been previously published as pathogenic or benign to our knowledge